The following is an entry in ClinVar:

NM_000287.4(PEX6):c.1644G>C (p.Met548Ile)

Gene: PEX6 (peroxisomal biogenesis factor 6; minus strand). Cytogenetic location: 6p21.1.
Variant type: single nucleotide variant.
Coding change: c.1644G>C on transcript NM_000287.4 (MANE Select); coding-DNA position 1644, G replaced by C.
Protein change: p.Met548Ile; replaces methionine 548 with isoleucine.
Molecular consequence: missense variant. On other transcripts: non-coding transcript variant (1).
Genome position (GRCh38, 1-based): chr6:42,968,334, C>G on the plus strand (G>C on the coding strand, the complement: PEX6 is on the minus strand). VCF-style: chr6-42968334-C-G. GRCh37 (hg19) VCF-style: chr6-42936072-C-G.
Other names: c.1380G>C, p.Met460Ile (NM_001316313.2); short protein forms M460I, M548I.
Identifiers: ClinVar variation 2101573 (VCV002101573.1), dbSNP rs2481224092, ClinGen allele CA364154146.
Genomic context (GRCh38, chr6:42,968,334, plus strand): 5'-AGCTCTGTATAAGTACCTGTTGAGGGGGTCCTCATTGAGGAGGAGGTGACGCAGCACAGC[C>G]ATCACACGGGCATCCTCACCCAGCCCATCACGGTCCCGGCCCAGAAGGTCCACAGCTGTG-3'
Protein context (NP_000278.3, residues 538-558): RDGLGEDARV[Met548Ile]AVLRHLLLNE

ClinVar aggregate classification (germline): Uncertain significance (1 of 4 stars; one submission).

Conditions:
Peroxisome biogenesis disorder. Identifiers: Orphanet 79189, MedGen C1832200, MONDO:0019234. Disease mechanism: loss of function.

Allele frequency attached by ClinVar (database versions not stated): gnomAD exomes below 0.00001.
gnomAD v4.1: 4 of 1,614,168 alleles (0.00025%); highest among the groups gnomAD compares: Non-Finnish European, 0.00034%; no homozygotes.

Submission:

Labcorp Genetics (formerly Invitae), Labcorp
Classification: Uncertain significance for Peroxisome biogenesis disorder. Last evaluated: 2022-02-22. Review status: criteria provided, single submitter. Criteria: Invitae Variant Classification Sherloc (09022015). Collection method: clinical testing. Allele origin: germline.
Comment: This sequence change replaces methionine, which is neutral and non-polar, with isoleucine, which is neutral and non-polar, at codon 548 of the PEX6 protein (p.Met548Ile). This variant is not present in population databases (gnomAD no frequency). This variant has not been reported in the literature in individuals affected with PEX6-related conditions. Algorithms developed to predict the effect of missense changes on protein structure and function (SIFT, PolyPhen-2, Align-GVGD) all suggest that this variant is likely to be tolerated. In summary, the available evidence is currently insufficient to determine the role of this variant in disease. Therefore, it has been classified as a Variant of Uncertain Significance.